The following is an entry in ClinVar:

ClinVar aggregate classification (germline): Conflicting classifications of pathogenicity. Review status: criteria provided, conflicting classifications (1 of 4 stars). 3 submissions from 2 submitters: Uncertain significance (2); Likely benign (1). Last evaluated 2024-09-20.

Conditions:
Schwartz-Jampel syndrome. Also called: Myotonic myopathy dwarfism chondrodystrophy and ocular and facial abnormalities. Identifiers: Orphanet 800, MedGen C0036391, MONDO:0009717.
Lethal Kniest-like syndrome (DDSH). Also called: Dyssegmental Dysplasia. Identifiers: Orphanet 1865, MedGen C1857100, MONDO:0009140, OMIM 224410.
Schwartz-Jampel syndrome type 1 (SJS1). Also called: MYOTONIC MYOPATHY, DWARFISM, CHONDRODYSTROPHY, AND OCULAR AND FACIAL ABNORMALITIES; CHONDRODYSTROPHIC MYOTONIA. Identifiers: MedGen C4551479, MONDO:0100435, OMIM 255800.

Allele frequency attached by ClinVar (database versions not stated): 1000 Genomes Project 30x 0.00016.
gnomAD v4.1: 52 of 1,613,644 alleles (0.0032%); highest among the groups gnomAD compares: South Asian, 0.053%; no homozygotes.

Submissions (3):

3billion
Classification: Likely benign for Lethal Kniest-like syndrome; Schwartz-Jampel syndrome type 1. Last evaluated: 2024-09-20. Review status: criteria provided, single submitter. Criteria: ACMG Guidelines, 2015. Collection method: clinical testing. Allele origin: germline. Affected: no.
Comment: The homozygous variant was found in patients diagnosed with another variant in a different gene, with no symptoms related to the gene containing the homozygous variant.

Illumina Laboratory Services, Illumina
Classification: Uncertain significance for Lethal Kniest-like syndrome. Last evaluated: 2018-01-13. Review status: criteria provided, single submitter. Criteria: ICSL Variant Classification Criteria 13 December 2019. Collection method: clinical testing. Allele origin: germline.

Illumina Laboratory Services, Illumina
Classification: Uncertain significance for Schwartz-Jampel syndrome type 1. Last evaluated: 2018-01-13. Review status: criteria provided, single submitter. Criteria: ICSL Variant Classification Criteria 13 December 2019. Collection method: clinical testing. Allele origin: germline.

NM_005529.7(HSPG2):c.6966G>T (p.Thr2322=)

Gene: HSPG2 (heparan sulfate proteoglycan 2; minus strand). Cytogenetic location: 1p36.12.
Variant type: single nucleotide variant.
Coding change: c.6966G>T on transcript NM_005529.7 (MANE Select); coding-DNA position 6966, G replaced by T.
Protein change: p.Thr2322=; no amino-acid change (threonine 2322 retained).
Molecular consequence: synonymous variant.
Genome position (GRCh38, 1-based): chr1:21,851,831, C>A on the plus strand (G>T on the coding strand, the complement: HSPG2 is on the minus strand). VCF-style: chr1-21851831-C-A. GRCh37 (hg19) VCF-style: chr1-22178324-C-A.
Other names: c.6969G>T, p.Thr2323= (NM_001291860.2).
Identifiers: ClinVar variation 295802 (VCV000295802.6), dbSNP rs565594406, ClinGen allele CA671364.
Genomic context (GRCh38, chr1:21,851,831, plus strand): 5'-AGCCTGGTGGCCCCACTCACGGTAGGCTAAGTTGGCCCCCTGGGTCCCAGTTACTGTGAC[C>A]GTGATGGAGGCCTCCATGCCGTTGCTGGCCCGGCAGACGTACTGTCCCGCATCGGCAGGT-3'
Protein context (NP_005520.4, residues 2312-2332): RASNGMEASI[Thr2322=]VTVTGTQGAN